The following is an entry in ClinVar:

ClinVar aggregate classification (germline): Uncertain significance (1 of 4 stars; one submission).

Conditions:
ATP2B2-related disorder. Also called: ATP2B2-related condition.

gnomAD v4.1: 39 of 1,613,364 alleles (0.0024%); highest among the groups gnomAD compares: Middle Eastern, 0.033%; no homozygotes.

Submission:

PreventionGenetics, part of Exact Sciences
Classification: Uncertain significance for ATP2B2-related condition. Last evaluated: 2026-03-06. Review status: criteria provided, single submitter. Criteria: ACMG Guidelines, 2015. Collection method: clinical testing. Allele origin: germline.
Comment: The ATP2B2 c.941-7C>G variant is predicted to interfere with splicing. This variant is predicted to impact splicing based on available splicing prediction programs (SpliceAI, Jaganathan et al. 2019. PubMed ID: 30661751). To our knowledge, this variant has not been reported in the literature. This variant is reported in 0.011% of alleles in individuals of Latino descent in gnomAD. At this time, the clinical significance of this variant is uncertain due to the absence of conclusive functional and genetic evidence.

NM_001001331.4(ATP2B2):c.941-7C>G

Gene: ATP2B2 (ATPase plasma membrane Ca2+ transporting 2; minus strand). Cytogenetic location: 3p25.3.
Variant type: single nucleotide variant.
Coding change: c.941-7C>G on transcript NM_001001331.4 (MANE Select); 7 bases into the intron before coding-DNA position 941, C replaced by G.
Molecular consequence: intron variant.
Genome position (GRCh38, 1-based): chr3:10,385,334, G>C on the plus strand (C>G on the coding strand, the complement: ATP2B2 is on the minus strand). VCF-style: chr3-10385334-G-C. GRCh37 (hg19) VCF-style: chr3-10427018-G-C.
Other names: c.907+2943C>G (NM_001438036.1, NM_001353564.1, NM_001683.5 and 3 more transcripts).
Identifiers: ClinVar variation 4981145 (VCV004981145.1).
Genomic context (GRCh38, chr3:10,385,334, plus strand): 5'-CTAGGCTGGCATTCGCACTATCTGCAGCATTTGAAGCTGCCGCACCGTCTGCTGCTGCAG[G>C]GGGGTGGGAGGGATGGAAAATGCAGTGTCACAATGGAGAAAAGCAACAACGACAAAGACA-3'